The following is an entry in ClinVar:

ClinVar aggregate classification (germline): Pathogenic. Review status: practice guideline (4 of 4 stars). 28 submissions from 27 submitters: Pathogenic (1). 27 of the submissions do not count toward it. Last evaluated 2004-03-03.

Conditions:
CFTR-related disorder (CFTR-RD). Also called: CFTR-related disorders; CFTR-related condition. Identifiers: MedGen C5924204, MONDO:7770004.
Congenital bilateral aplasia of vas deferens from CFTR mutation (CBAVD). Identifiers: Orphanet 48, MedGen C0403814, MONDO:0010178, OMIM 277180. Disease mechanism: loss of function.
Cystic fibrosis (CF). Also called: MUCOVISCIDOSIS. Identifiers: Orphanet 586, MedGen C0010674, MONDO:0009061, OMIM 219700. Disease mechanism: loss of function.
Hereditary pancreatitis (PCTT). Also called: Hereditary chronic pancreatitis; PRSS1-Related Hereditary Pancreatitis. Identifiers: Orphanet 676, MedGen C0238339, MONDO:0008185, OMIM 167800.
Bronchiectasis with or without elevated sweat chloride 1 (BESC1). Also called: Cystic Fibrosis-Like Syndrome. Identifiers: Orphanet 60033, MedGen C2749757, MONDO:0008887, OMIM 211400.
ivacaftor response - Efficacy. Identifiers: MedGen CN322735.

Allele frequency attached by ClinVar (database versions not stated): ESP Exome Variant Server 0.00008; TOPMed 0.00010.
gnomAD v4.1: 101 of 1,600,798 alleles (0.0063%); highest among the groups gnomAD compares: Non-Finnish European, 0.0078%; no homozygotes.

Submissions 1 to 8 of 28:

American College of Medical Genetics and Genomics  (ACMG)
Classification: Pathogenic for Cystic fibrosis. Last evaluated: 2004-03-03. Review status: practice guideline. Criteria: Guideline for cystic fibrosis carrier screening. Collection method: curation. Allele origin: germline. Inheritance: Autosomal recessive inheritance. Study: The ACMG recommended carrier screening panel.
ClinVar note: Converted during submission from pathogenic to Pathogenic.

ClinPGx
Classification: drug response for ivacaftor response - Efficacy. Last evaluated: 2021-03-24. Review status: reviewed by expert panel. Criteria: Pharmacogenomics knowledge for personalized medicine. Collection method: curation. Allele origin: germline. Affected: yes. Not counted in ClinVar's aggregate classification.
Comment: PharmGKB Level of Evidence 1A: Level 1A clinical annotations describe variant-drug combinations that have variant-specific prescribing guidance available in a current clinical guideline annotation or an FDA-approved drug label annotation. Annotations of drug labels or clinical guidelines must give prescribing guidance for specific variants (e.g. CYP2C9*3, HLA-B*57:01) or provide mapping from defined allele functions to diplotypes and phenotypes to be used as supporting evidence for a level 1A clinical annotation. Level 1A clinical annotations must also be supported by at least one publication in addition to a clinical guideline or drug label with variant-specific prescribing guidance.

Drug is not necessarily used to treat response condition

CFTR2
Classification: Pathogenic for Cystic fibrosis. Last evaluated: 2017-03-17. Review status: reviewed by expert panel. Criteria: Sosnay PR et al. (Nat Genet 2013). Collection method: research. Allele origin: germline. Affected: yes. Study: CFTR2. Not counted in ClinVar's aggregate classification.

Victorian Clinical Genetics Services, Murdoch Childrens Research Institute
Classification: Pathogenic for Cystic fibrosis. Last evaluated: 2026-04-28. Review status: criteria provided, single submitter. Criteria: ACMG Guidelines, 2015. Collection method: clinical testing. Allele origin: germline. Affected: no. Not counted in ClinVar's aggregate classification.
Comment: This variant is classified as Pathogenic. Evidence in support of pathogenic classification: Variant is present in gnomAD <0.01 for a recessive condition (v4: 101 heterozygote(s), 0 homozygote(s)); This variant has very strong previous evidence of pathogenicity in unrelated individuals. This variant has been classified as pathogenic by clinical laboratories in ClinVar and by the CFTR2 expert panel; Missense variant predicted to be damaging by in silico tool(s) or highly conserved with a major amino acid change. Additional information: Variant is predicted to result in a missense amino acid change from Ala to Glu; This variant is heterozygous; This gene is associated with autosomal recessive disease; Alternative amino acid change(s) at the same position are present in gnomAD (highest allele count: v4: 152 heterozygote(s), 0 homozygote(s)); Loss of function is a known mechanism of disease in this gene and is associated with cystic fibrosis (MIM#219700).

Labcorp Genetics (formerly Invitae), Labcorp
Classification: Pathogenic for Cystic fibrosis. Last evaluated: 2026-02-02. Review status: criteria provided, single submitter. Criteria: Invitae Variant Classification Sherloc (09022015). Collection method: clinical testing. Allele origin: germline. Not counted in ClinVar's aggregate classification.
Comment: This sequence change replaces alanine, which is neutral and non-polar, with glutamic acid, which is acidic and polar, at codon 455 of the CFTR protein (p.Ala455Glu). The frequency data for this variant in the population databases is considered unreliable, as metrics indicate poor data quality at this position in the gnomAD database. This missense change has been observed in individual(s) with cystic fibrosis (PMID: 2236053, 15371902, 23466340, 23974870). It has also been observed to segregate with disease in related individuals. ClinVar contains an entry for this variant (Variation ID: 7111). Invitae Evidence Modeling of protein sequence and biophysical properties (such as structural, functional, and spatial information, amino acid conservation, physicochemical variation, residue mobility, and thermodynamic stability) indicates that this missense variant is expected to disrupt CFTR protein function with a positive predictive value of 80%. Experimental studies have shown that this missense change affects CFTR function (PMID: 7542778, 23974870). For these reasons, this variant has been classified as Pathogenic.

Natera, Inc.
Classification: Pathogenic for CFTR-related disorders. Last evaluated: 2026-01-29. Review status: criteria provided, single submitter. Criteria: Natera Variant Classification Schema (03/2026). Collection method: clinical testing. Allele origin: germline. Not counted in ClinVar's aggregate classification.
Comment: The c.1364C>A variant in CFTR is a missense variant predicted to cause substitution of alanine to glutamic acid at amino acid 455. This variant is rare in the general population with a frequency below the threshold expected for the associated phenotype(s). This variant has been observed in one or more individuals affected with the associated recessive disease, as either homozygous or compound heterozygous with a second variant (PMID: 10777368). Given the available evidence, this variant is classified as Pathogenic.

ARUP Laboratories, Molecular Genetics and Genomics, ARUP Laboratories
Classification: Pathogenic for Cystic fibrosis. Last evaluated: 2025-07-14. Review status: criteria provided, single submitter. Criteria: ARUP Molecular Germline Variant Investigation Process 2024. Collection method: clinical testing. Allele origin: germline. Not counted in ClinVar's aggregate classification.
Comment: The CFTR c.1364C>A; p.Ala455Glu variant (rs74551128, ClinVar Variation ID: 7111) is reported in multiple CF patients worldwide and is often associated with pancreatic sufficiency (see CFTR2 database). Functional characterization of the variant protein indicates defects in chloride transport activity (Van Goor 2014). This variant is found in the general population with a low overall allele frequency of 0.005% (14/275092 alleles) in the Genome Aggregation Database (v2.1.1). Computational analyses predict that this variant is deleterious (REVEL: 0.901). Based on available information, this variant is considered to be pathogenic. References: CFTR2 Database: Van Goor F et al. Effect of ivacaftor on CFTR forms with missense mutations associated with defects in protein processing or function. J Cyst Fibros. 2014 Jan;13(1):29-36.

PreventionGenetics, part of Exact Sciences
Classification: Pathogenic for CFTR-related condition. Last evaluated: 2025-02-04. Review status: criteria provided, single submitter. Criteria: ACMG Guidelines, 2015. Collection method: clinical testing. Allele origin: germline. Not counted in ClinVar's aggregate classification.
Comment: The CFTR c.1364C>A variant is predicted to result in the amino acid substitution p.Ala455Glu. This variant has been reported in the compound heterozygous state with a second disease-causing CFTR variant in many individuals with cystic fibrosis (Kerem et al. 1990. PubMed ID: 2236053; McKone et al. 2003. PubMed ID: 12767731; Sosnay et al. 2013. PubMed ID: 23974870). It has also been observed in the heterozygous and compound heterozygous states in individuals with other CFTR-related disorders (Gallati et al. 2009. PubMed ID: 20021716; Table S4, Steiner et al. 2011. PubMed ID: 21520337; Grzegorczyk et al. 2012. PubMed ID: 22390181). In vitro functional studies have demonstrated that this variant causes a reduction in chloride channel activity (~6.8% vs WT) due to protein misfolding, ER retention, rapid degradation, and reduced expression of mature CFTR protein at the plasma membrane (Sosnay et al. 2013. PubMed ID: 23974870; Cebotaru et al. 2014. PubMed ID: 24416359; Ensinck et al. 2020. PubMed ID: 32204475; Shishido et al. 2020. PubMed ID: 32848127). However, any residual mature protein that does reach the plasma membrane appears to form functional channels, consistent with the observation that p.Ala455Glu is often associated with a milder clinical phenotype (Fulmer et al. 1995. PubMed ID: 7542778; Sosnay et al. 2013. PubMed ID: 23974870; Bombieri et al. 2015. PubMed ID: 25826586). This variant is reported in 0.010% of alleles in individuals of European (non-Finnish) descent in gnomAD. In summary, this variant is interpreted as pathogenic.

NM_000492.4(CFTR):c.1364C>A (p.Ala455Glu)

Genes: CFTR (CF transmembrane conductance regulator; plus strand), CFTR-AS1 (CFTR antisense RNA 1; minus strand). Cytogenetic location: 7q31.2.
Variant type: single nucleotide variant.
Coding change: c.1364C>A on transcript NM_000492.4 (MANE Select); coding-DNA position 1364, C replaced by A.
Protein change: p.Ala455Glu; replaces alanine 455 with glutamic acid.
Molecular consequence: missense variant.
Genome position (GRCh38, 1-based): chr7:117,548,795, C>A. VCF-style: chr7-117548795-C-A. GRCh37 (hg19) VCF-style: chr7-117188849-C-A.
Other names: short protein forms A455E.
Identifiers: ClinVar variation 7111 (VCV000007111.66), dbSNP rs74551128, ClinGen allele CA340631.
Genomic context (GRCh38, chr7:117,548,795, plus strand): 5'-TTCTTGGTACTCCTGTCCTGAAAGATATTAATTTCAAGATAGAAAGAGGACAGTTGTTGG[C>A]GGTTGCTGGATCCACTGGAGCAGGCAAGGTAGTTCTTTTGTTCTTCACTATTAAGAACTT-3'
Protein context (NP_000483.3, residues 445-465): NFKIERGQLL[Ala455Glu]VAGSTGAGKT